The following is an entry in ClinVar:

ClinVar aggregate classification (germline): Uncertain significance (1 of 4 stars; one submission).

Conditions:
Cardiomyopathy (CMYO). Also called: Cardiomyopathies. Identifiers: Orphanet 167848, MedGen C0878544, MONDO:0004994, HP:0001638. Inheritance: Various modes of inheritance.

Submission:

Color Diagnostics, LLC DBA Color Health
Classification: Uncertain significance for Cardiomyopathy. Last evaluated: 2021-11-22. Review status: criteria provided, single submitter. Criteria: ACMG Guidelines, 2015. Collection method: clinical testing. Allele origin: germline.
Comment: This variant changes 1 nucleotide in exon 56 of the RYR2 gene, creating a premature translation stop signal. This variant is expected to result in an absent or non-functional protein product. To our knowledge, this variant has not been reported in individuals affected with cardiovascular disorders in the literature. This variant has not been identified in the general population by the Genome Aggregation Database (gnomAD). Clinical relevance of loss-of-function truncation and splice variants in the RYR2 gene is not clearly established. The available evidence is insufficient to determine the role of this variant in disease conclusively. Therefore, this variant is classified as a Variant of Uncertain Significance.

NM_001035.3(RYR2):c.8302A>T (p.Lys2768Ter)

Gene: RYR2 (ryanodine receptor 2; plus strand). Cytogenetic location: 1q43.
Variant type: single nucleotide variant.
Coding change: c.8302A>T on transcript NM_001035.3 (MANE Select); coding-DNA position 8302, A replaced by T.
Protein change: p.Lys2768Ter; replaces lysine 2768 with a stop codon.
Molecular consequence: nonsense.
Genome position (GRCh38, 1-based): chr1:237,660,813, A>T. VCF-style: chr1-237660813-A-T. GRCh37 (hg19) VCF-style: chr1-237824113-A-T.
Other names: short protein forms K2768*.
Identifiers: ClinVar variation 2774341 (VCV002774341.2), dbSNP rs2547119982, ClinGen allele CA345401732.
Genomic context (GRCh38, chr1:237,660,813, plus strand): 5'-TAACATTTTTATTTACATTCATAATATATCTGTTGTTTCTTGTTTTTTCTTCTCTAGGAA[A>T]AAGAAATTTATCGCTGGCCAATCAAAGAATCTTTAAAAACTATGCTGGCTTGGGGCTGGA-3'